The following is an entry in ClinVar:

ClinVar aggregate classification (germline): Uncertain significance (1 of 4 stars; one submission).

Conditions:
Spinocerebellar ataxia type 19/22 (SCA19). Also called: SPINOCEREBELLAR ATAXIA 19; SPINOCEREBELLAR ATAXIA 22. Identifiers: Orphanet 98772, MedGen C1846367, MONDO:0011819, OMIM 607346.

Submission:

Labcorp Genetics (formerly Invitae), Labcorp
Classification: Uncertain significance for Spinocerebellar ataxia type 19/22. Last evaluated: 2021-12-13. Review status: criteria provided, single submitter. Criteria: Invitae Variant Classification Sherloc (09022015). Collection method: clinical testing. Allele origin: germline.
Comment: In summary, the available evidence is currently insufficient to determine the role of this variant in disease. Therefore, it has been classified as a Variant of Uncertain Significance. Algorithms developed to predict the effect of sequence changes on RNA splicing suggest that this variant may create or strengthen a splice site. Algorithms developed to predict the effect of missense changes on protein structure and function (SIFT, PolyPhen-2, Align-GVGD) all suggest that this variant is likely to be disruptive. This variant has not been reported in the literature in individuals affected with KCND3-related conditions. This variant is not present in population databases (gnomAD no frequency). This sequence change replaces glutamic acid, which is acidic and polar, with valine, which is neutral and non-polar, at codon 473 of the KCND3 protein (p.Glu473Val).

NM_001378969.1(KCND3):c.1418A>T (p.Glu473Val)

Gene: KCND3 (potassium voltage-gated channel subfamily D member 3; minus strand). Cytogenetic location: 1p13.2.
Variant type: single nucleotide variant.
Coding change: c.1418A>T on transcript NM_001378969.1 (MANE Select); coding-DNA position 1418, A replaced by T.
Protein change: p.Glu473Val; replaces glutamic acid 473 with valine.
Molecular consequence: missense variant.
Genome position (GRCh38, 1-based): chr1:111,780,268, T>A on the plus strand (A>T on the coding strand, the complement: KCND3 is on the minus strand). VCF-style: chr1-111780268-T-A. GRCh37 (hg19) VCF-style: chr1-112322890-T-A.
Other names: c.1418A>T, p.Glu473Val (NM_001378970.1, NM_004980.5, NM_172198.3); short protein forms E473V.
Identifiers: ClinVar variation 1507626 (VCV001507626.6), dbSNP rs2101469294, ClinGen allele CA341658663.